The following is an entry in ClinVar:

NM_004586.3(RPS6KA3):c.57C>T (p.Ser19=)

Genes: RPS6KA3 (ribosomal protein S6 kinase A3; minus strand), LOC130068032 (ATAC-STARR-seq lymphoblastoid silent region 20696; plus strand). Cytogenetic location: Xp22.12.
Variant type: single nucleotide variant.
Coding change: c.57C>T on transcript NM_004586.3 (MANE Select); coding-DNA position 57, C replaced by T.
Protein change: p.Ser19=; no amino-acid change (serine 19 retained).
Molecular consequence: synonymous variant.
Genome position (GRCh38, 1-based): chrX:20,266,576, G>A on the plus strand (C>T on the coding strand, the complement: RPS6KA3 is on the minus strand). VCF-style: chrX-20266576-G-A. GRCh37 (hg19) VCF-style: chrX-20284694-G-A.
Identifiers: ClinVar variation 3353584 (VCV003353584.1).

ClinVar aggregate classification (germline): Likely benign (0 of 4 stars; one submission).

Conditions:
RPS6KA3-related disorder. Also called: RPS6KA3-related condition.

gnomAD v4.1: 8 of 1,153,044 alleles (0.00069%); highest among the groups gnomAD compares: South Asian, 0.0038%; no homozygotes.

Submission:

PreventionGenetics, part of Exact Sciences
Classification: Likely benign for RPS6KA3-related condition. Last evaluated: 2022-06-22. Review status: no assertion criteria provided. Collection method: clinical testing. Allele origin: germline.
Comment: This variant is classified as likely benign based on ACMG/AMP sequence variant interpretation guidelines (Richards et al. 2015 PMID: 25741868, with internal and published modifications).